The following is an entry in ClinVar:

ClinVar aggregate classification (germline): Uncertain significance (1 of 4 stars; one submission).

Conditions:
KRT10-related disorder. Also called: KRT10-related condition.

Submission:

PreventionGenetics, part of Exact Sciences
Classification: Uncertain significance for KRT10-related condition. Last evaluated: 2023-04-07. Review status: criteria provided, single submitter. Criteria: ACMG Guidelines, 2015. Collection method: clinical testing. Allele origin: germline.
Comment: The KRT10 c.458T>C variant is predicted to result in the amino acid substitution p.Leu153Pro. To our knowledge, this variant has not been reported in the literature or in a large population database, indicating this variant is rare. Alternate nucleotide changes affecting the same amino acid (c.457C>G; p.Leu153Val and c.457C>A p.Leu153Met) have been reported in individuals with epidermolytic ichthyosis (Ishiko et al. 2001. PubMed ID: 11407994; Ogawa and Akiyama. 2014. PubMed ID: 25128122; Abdul-Wahab et al. 2016. PubMed ID: 26338057). Although we suspect that this variant may be pathogenic, at this time, the clinical significance of this variant is uncertain due to the absence of conclusive functional and genetic evidence.

NM_000421.5(KRT10):c.458T>C (p.Leu153Pro)

Genes: KRT10 (keratin 10; minus strand), KRT10-AS1 (KRT10 antisense RNA 1; plus strand). Cytogenetic location: 17q21.2.
Variant type: single nucleotide variant.
Coding change: c.458T>C on transcript NM_000421.5 (MANE Select); coding-DNA position 458, T replaced by C.
Protein change: p.Leu153Pro; replaces leucine 153 with proline.
Molecular consequence: missense variant.
Genome position (GRCh38, 1-based): chr17:40,822,128, A>G on the plus strand (T>C on the coding strand, the complement: KRT10 is on the minus strand). VCF-style: chr17-40822128-A-G. GRCh37 (hg19) VCF-style: chr17-38978380-A-G.
Other names: c.458T>C, p.Leu153Pro (NM_001379366.1); short protein forms L153P.
Identifiers: ClinVar variation 2633578 (VCV002633578.1), dbSNP rs2508781293, ClinGen allele CA399394816.
Genomic context (GRCh38, chr17:40,822,128, plus strand): 5'-TCATAGTTTGATTCTTCCAGAGCCCGAACTTTGTCCAAGTAGGAAGCCAGGCGGTCATTC[A>G]GATTCTGCATGGTTACTTTTTCATTTCCAGAGAGAAGGCCACCATCTCCTCCAAATCCAC-3'
Protein context (NP_000412.4, residues 143-163): SGNEKVTMQN[Leu153Pro]NDRLASYLDK